The following is an entry in ClinVar:

ClinVar aggregate classification (germline): Uncertain significance (1 of 4 stars; one submission).

Conditions:
Congenital contractures of the limbs and face, hypotonia, and developmental delay (CLIFAHDD). Identifiers: Orphanet 562528, MedGen C4225398, MONDO:0014556, OMIM 616266.
Hypotonia, infantile, with psychomotor retardation and characteristic facies 1 (INNFD). Identifiers: Orphanet 371364, Orphanet 700336, MedGen C3809454, MONDO:0024567, OMIM 615419.

Submission:

Juno Genomics, Hangzhou Juno Genomics, Inc
Classification: Uncertain significance for Congenital contractures of the limbs and face, hypotonia, and developmental delay; Hypotonia, infantile, with psychomotor retardation and characteristic facies 1. Review status: criteria provided, single submitter. Criteria: ACMG Guidelines, 2015. Collection method: clinical testing. Allele origin: germline.
Comment: Null variant in a gene where loss of function (LOF) is a known mechanism of disease.;Absent from controls (or at extremely low frequency if recessive) in Genome Aggregation Database.

NM_052867.4(NALCN):c.5064dup (p.Arg1689fs)

Genes: NALCN (sodium leak channel, non-selective; minus strand), NALCN-AS1 (NALCN antisense RNA 1; plus strand). Cytogenetic location: 13q32.3.
Variant type: Duplication.
Coding change: c.5064dup on transcript NM_052867.4 (MANE Select); coding-DNA position 5064, one base duplicated (A; older notation c.5064dupA).
Protein change: p.Arg1689fs; shifts the reading frame from arginine 1689.
Molecular consequence: frameshift variant.
Genome position (GRCh38, 1-based): chr13:101,055,448, T duplicated on the plus strand (A on the coding strand, the reverse complement: NALCN is on the minus strand). VCF-style (leftmost placement, unchanged base first): chr13-101055447-G-GT. GRCh37 (hg19) VCF-style: chr13-101707799-G-GT.
Other names: c.5151dup, p.Arg1718fs (NM_001350748.2); c.5064dup, p.Arg1689fs (NM_001350749.2); c.4977dup, p.Arg1660fs (NM_001350750.2, NM_001350751.2); short protein forms R1660fs, R1718fs, R1689fs.
Identifiers: ClinVar variation 5005208 (VCV005005208.2).